The following is an entry in ClinVar:

ClinVar aggregate classification (germline): Uncertain significance. Review status: criteria provided, multiple submitters, no conflicts (2 of 4 stars). 2 submissions from 2 submitters: Uncertain significance (2). Last evaluated 2025-12-22.

Allele frequency attached by ClinVar (database versions not stated): ExAC 0.00009; gnomAD exomes 0.00002; TOPMed 0.00002; ESP Exome Variant Server 0.00008.
gnomAD v4.1: 28 of 1,613,928 alleles (0.0017%); highest among the groups gnomAD compares: Non-Finnish European, 0.0024%; no homozygotes.

Submissions (2):

Labcorp Genetics (formerly Invitae), Labcorp
Classification: Uncertain significance. Last evaluated: 2025-12-22. Review status: criteria provided, single submitter. Criteria: Invitae Variant Classification Sherloc (09022015). Collection method: clinical testing. Allele origin: germline.
Comment: This sequence change replaces proline, which is neutral and non-polar, with serine, which is neutral and polar, at codon 78 of the REST protein (p.Pro78Ser). This variant is present in population databases (rs142504829, gnomAD 0.01%). This variant has not been reported in the literature in individuals affected with REST-related conditions. ClinVar contains an entry for this variant (Variation ID: 1803457). An algorithm developed to predict the effect of missense changes on protein structure and function (PolyPhen-2) suggests that this variant is likely to be disruptive. In summary, the available evidence is currently insufficient to determine the role of this variant in disease. Therefore, it has been classified as a Variant of Uncertain Significance.

GeneDx
Classification: Uncertain significance. Last evaluated: 2022-06-08. Review status: criteria provided, single submitter. Criteria: GeneDx Variant Classification Process June 2021. Collection method: clinical testing. Allele origin: germline. Affected: yes.
Comment: In silico analysis supports that this missense variant does not alter protein structure/function; Has not been previously published as pathogenic or benign to our knowledge

NM_005612.5(REST):c.232C>T (p.Pro78Ser)

Gene: REST (RE1 silencing transcription factor; plus strand). Cytogenetic location: 4q12.
Variant type: single nucleotide variant.
Coding change: c.232C>T on transcript NM_005612.5 (MANE Select); coding-DNA position 232, C replaced by T.
Protein change: p.Pro78Ser; replaces proline 78 with serine.
Molecular consequence: missense variant.
Genome position (GRCh38, 1-based): chr4:56,910,870, C>T. VCF-style: chr4-56910870-C-T. GRCh37 (hg19) VCF-style: chr4-57777036-C-T.
Other names: c.232C>T, p.Pro78Ser (NM_001193508.2, NM_001363453.3); short protein forms P78S.
Identifiers: ClinVar variation 1803457 (VCV001803457.3), dbSNP rs142504829, ClinGen allele CA2932056.
Genomic context (GRCh38, chr4:56,910,870, plus strand): 5'-GTAAATGGCAGCTGCTGTGATTACCTGGTCGGTGAAGAAAGACAGATGGCAGAACTGATG[C>T]CGGTTGGGGATAACAACTTTTCAGATAGTGAAGAAGGAGAAGGACTTGAAGAGTCTGCTG-3'
Protein context (NP_005603.3, residues 68-88): GEERQMAELM[Pro78Ser]VGDNNFSDSE